The following is an entry in ClinVar:

ClinVar aggregate classification (germline): Uncertain significance (1 of 4 stars; one submission).

Conditions:
Familial hemophagocytic lymphohistiocytosis 3 (FHL3). Also called: UNC13D-Related Familial Hemophagocytic Lymphohistiocytosis (UNC13D-fHLH). Identifiers: Orphanet 540, MedGen C1837174, MONDO:0012146, OMIM 608898.

Allele frequency attached by ClinVar (database versions not stated): TOPMed below 0.00001.

Submission:

Labcorp Genetics (formerly Invitae), Labcorp
Classification: Uncertain significance for Familial hemophagocytic lymphohistiocytosis 3. Last evaluated: 2020-06-30. Review status: criteria provided, single submitter. Criteria: Invitae Variant Classification Sherloc (09022015). Collection method: clinical testing. Allele origin: germline.
Comment: This variant has not been reported in the literature in individuals with UNC13D-related conditions. In summary, the available evidence is currently insufficient to determine the role of this variant in disease. Therefore, it has been classified as a Variant of Uncertain Significance. Algorithms developed to predict the effect of missense changes on protein structure and function are either unavailable or do not agree on the potential impact of this missense change (SIFT: "Deleterious"; PolyPhen-2: "Probably Damaging"; Align-GVGD: "Class C0"). This variant is not present in population databases (ExAC no frequency). This sequence change replaces lysine with asparagine at codon 511 of the UNC13D protein (p.Lys511Asn). The lysine residue is moderately conserved and there is a moderate physicochemical difference between lysine and asparagine.

NM_199242.3(UNC13D):c.1533G>T (p.Lys511Asn)

Gene: UNC13D (unc-13 homolog D; minus strand). Cytogenetic location: 17q25.1.
Variant type: single nucleotide variant.
Coding change: c.1533G>T on transcript NM_199242.3 (MANE Select); coding-DNA position 1533, G replaced by T.
Protein change: p.Lys511Asn; replaces lysine 511 with asparagine.
Molecular consequence: missense variant.
Genome position (GRCh38, 1-based): chr17:75,836,023, C>A on the plus strand (G>T on the coding strand, the complement: UNC13D is on the minus strand). VCF-style: chr17-75836023-C-A. GRCh37 (hg19) VCF-style: chr17-73832104-C-A.
Other names: short protein forms K511N.
Identifiers: ClinVar variation 1039483 (VCV001039483.7), dbSNP rs2064906221, ClinGen allele CA401097375.
Genomic context (GRCh38, chr17:75,836,023, plus strand): 5'-CGGCTCTGAGGCAATGCCCCACTACCTCCCGACCTGGCTATCTGCTCACTTGTGGAAGAT[C>A]TTGTCCCATGTGCGCTGGCACTGGTGCAGGTCGCCAATGACATCCTGTACCAGGCCCAGC-3'
Protein context (NP_954712.1, residues 501-521): DLHQCQRTWD[Lys511Asn]IFHNTLKIHL